The following is an entry in ClinVar:

NM_006904.7(PRKDC):c.11906A>G (p.Asn3969Ser)

Gene: PRKDC (protein kinase, DNA-activated, catalytic subunit; minus strand). Cytogenetic location: 8q11.21.
Variant type: single nucleotide variant.
Coding change: c.11906A>G on transcript NM_006904.7 (MANE Select); coding-DNA position 11906, A replaced by G.
Protein change: p.Asn3969Ser; replaces asparagine 3969 with serine.
Molecular consequence: missense variant.
Genome position (GRCh38, 1-based): chr8:47,777,822, T>C on the plus strand (A>G on the coding strand, the complement: PRKDC is on the minus strand). VCF-style: chr8-47777822-T-C. GRCh37 (hg19) VCF-style: chr8-48690383-T-C.
Other names: c.11813A>G, p.Asn3938Ser (NM_001081640.2); short protein forms N3938S, N3969S.
Identifiers: ClinVar variation 1370702 (VCV001370702.4), dbSNP rs542614672, ClinGen allele CA4738958.

ClinVar aggregate classification (germline): Uncertain significance (1 of 4 stars; one submission).

Conditions:
Severe combined immunodeficiency due to DNA-PKcs deficiency. Also called: IMMUNODEFICIENCY 26 WITH NEUROLOGIC ABNORMALITIES; Immunodeficiency 26 with or without neurologic abnormalities. Identifiers: Orphanet 317425, MedGen C4014833, MONDO:0014423, OMIM 615966.

Allele frequency attached by ClinVar (database versions not stated): gnomAD 0.00001 and 0.00003; TOPMed 0.00001; gnomAD exomes 0.00002; ExAC 0.00003; 1000 Genomes Project 30x 0.00031; 1000 Genomes Project 0.00040.
gnomAD v4.1: 28 of 1,613,960 alleles (0.0017%); highest among the groups gnomAD compares: South Asian, 0.019%; no homozygotes.

Submission:

Labcorp Genetics (formerly Invitae), Labcorp
Classification: Uncertain significance for Severe combined immunodeficiency due to DNA-PKcs deficiency. Last evaluated: 2023-12-11. Review status: criteria provided, single submitter. Criteria: Invitae Variant Classification Sherloc (09022015). Collection method: clinical testing. Allele origin: germline.
Comment: This sequence change replaces asparagine, which is neutral and polar, with serine, which is neutral and polar, at codon 3969 of the PRKDC protein (p.Asn3969Ser). This variant is present in population databases (rs542614672, gnomAD 0.02%). This variant has not been reported in the literature in individuals affected with PRKDC-related conditions. ClinVar contains an entry for this variant (Variation ID: 1370702). Advanced modeling of protein sequence and biophysical properties (such as structural, functional, and spatial information, amino acid conservation, physicochemical variation, residue mobility, and thermodynamic stability) performed at Invitae indicates that this missense variant is not expected to disrupt PRKDC protein function with a negative predictive value of 80%. In summary, the available evidence is currently insufficient to determine the role of this variant in disease. Therefore, it has been classified as a Variant of Uncertain Significance.